The following is an entry in ClinVar:

NM_001184880.2(PCDH19):c.95A>T (p.Glu32Val)

Gene: PCDH19 (protocadherin 19; minus strand). Cytogenetic location: Xq22.1.
Variant type: single nucleotide variant.
Coding change: c.95A>T on transcript NM_001184880.2 (MANE Select); coding-DNA position 95, A replaced by T.
Protein change: p.Glu32Val; replaces glutamic acid 32 with valine.
Molecular consequence: missense variant.
Genome position (GRCh38, 1-based): chrX:100,408,503, T>A on the plus strand (A>T on the coding strand, the complement: PCDH19 is on the minus strand). VCF-style: chrX-100408503-T-A. GRCh37 (hg19) VCF-style: chrX-99663501-T-A.
Other names: c.95A>T, p.Glu32Val (NM_001105243.2, NM_020766.3); short protein forms E32V.
Identifiers: ClinVar variation 1338771 (VCV001338771.1), dbSNP rs2147542709, ClinGen allele CA414011386.

ClinVar aggregate classification (germline): Likely pathogenic (1 of 4 stars; one submission).

Conditions:
PCDH19-related epilespy.

Submission:

Laboratory of Medical Genetics, National & Kapodistrian University of Athens
Classification: Likely pathogenic for PCDH19-related epilespy. Last evaluated: 2022-01-30. Review status: criteria provided, single submitter. Criteria: ACMG Guidelines, 2015. Collection method: clinical testing. Allele origin: maternal. Inheritance: X-linked inheritance. Affected: yes. Observed: 1 heterozygote.